The following is an entry in ClinVar:

NM_181882.3(PRX):c.4088G>A (p.Ser1363Asn)

Gene: PRX (periaxin; minus strand). Cytogenetic location: 19q13.2.
Variant type: single nucleotide variant.
Coding change: c.4088G>A on transcript NM_181882.3 (MANE Select); coding-DNA position 4088, G replaced by A.
Protein change: p.Ser1363Asn; replaces serine 1363 with asparagine.
Molecular consequence: missense variant. On other transcripts: 3 prime UTR variant (1).
Genome position (GRCh38, 1-based): chr19:40,394,264, C>T on the plus strand (G>A on the coding strand, the complement: PRX is on the minus strand). VCF-style: chr19-40394264-C-T. GRCh37 (hg19) VCF-style: chr19-40900171-C-T.
Other names: c.*4293G>A (NM_020956.2); short protein forms S1363N.
Identifiers: ClinVar variation 839986 (VCV000839986.10), dbSNP rs1197436795, ClinGen allele CA405890832.

ClinVar aggregate classification (germline): Uncertain significance. Review status: criteria provided, multiple submitters, no conflicts (2 of 4 stars). 2 submissions from 2 submitters: Uncertain significance (2). Last evaluated 2026-03-16.

Conditions:
Charcot-Marie-Tooth disease type 4. Also called: Charcot-Marie-Tooth disease, type IV; Charcot-Marie-Tooth, Type 4. Identifiers: Orphanet 64749, MedGen C4082197, MONDO:0018995.
PRX-related disorder. Also called: PRX-related condition; PRX-Related Disorders.

Allele frequency attached by ClinVar (database versions not stated): gnomAD exomes below 0.00001.
gnomAD v4.1: 2 of 1,611,848 alleles (0.00012%); highest among the groups gnomAD compares: Non-Finnish European, 0.00017%; no homozygotes.

Submissions (2):

PreventionGenetics, part of Exact Sciences
Classification: Uncertain significance for PRX-related condition. Last evaluated: 2026-03-16. Review status: criteria provided, single submitter. Criteria: ACMG Guidelines, 2015. Collection method: clinical testing. Allele origin: germline.
Comment: The PRX c.4088G>A variant is predicted to result in the amino acid substitution p.Ser1363Asn. To our knowledge, this variant has not been reported in the literature. This variant is reported in 0.00091% of alleles in individuals of European (non-Finnish) descent in gnomAD. At this time, the clinical significance of this variant is uncertain due to the absence of conclusive functional and genetic evidence.

Labcorp Genetics (formerly Invitae), Labcorp
Classification: Uncertain significance for Charcot-Marie-Tooth disease type 4. Last evaluated: 2019-11-26. Review status: criteria provided, single submitter. Criteria: Invitae Variant Classification Sherloc (09022015). Collection method: clinical testing. Allele origin: germline.
Comment: In summary, the available evidence is currently insufficient to determine the role of this variant in disease. Therefore, it has been classified as a Variant of Uncertain Significance. Algorithms developed to predict the effect of missense changes on protein structure and function output the following: SIFT: "Tolerated"; PolyPhen-2: "Benign"; Align-GVGD: "Class C0". The asparagine amino acid residue is found in multiple mammalian species, suggesting that this missense change does not adversely affect protein function. These predictions have not been confirmed by published functional studies and their clinical significance is uncertain. This variant has not been reported in the literature in individuals with PRX-related conditions. This variant is not present in population databases (ExAC no frequency). This sequence change replaces serine with asparagine at codon 1363 of the PRX protein (p.Ser1363Asn). The serine residue is weakly conserved and there is a small physicochemical difference between serine and asparagine.